The following is an entry in ClinVar:

ClinVar aggregate classification (germline): Likely benign. Review status: criteria provided, multiple submitters, no conflicts (2 of 4 stars). 2 submissions from 2 submitters: Likely benign (2). Last evaluated 2023-03-23.

Conditions:
Hereditary cancer-predisposing syndrome. Also called: Hereditary neoplastic syndrome; Tumor predisposition; Neoplastic Syndromes, Hereditary; Hereditary Cancer Syndrome. Identifiers: Orphanet 140162, MedGen C0027672, MeSH D009386, MONDO:0015356.

Submissions (2):

University of Washington Department of Laboratory Medicine, University of Washington
Classification: Likely benign for Hereditary cancer-predisposing syndrome. Last evaluated: 2023-03-23. Review status: criteria provided, single submitter. Criteria: Dines et al. (Genet Med. 2020). Collection method: curation. Allele origin: germline.
Comment: Missense variant in a coldspot region where missense variants are very unlikely to be pathogenic (PMID:31911673).

BRCA2 exon 11 coldspot. Reclassification based on statistical prior probability.

GeneDx
Classification: Likely benign. Last evaluated: 2016-06-02. Review status: criteria provided, single submitter. Criteria: GeneDx Variant Classification (06012015). Collection method: clinical testing. Allele origin: germline. Affected: yes.
Comment: This variant is considered likely benign or benign based on one or more of the following criteria: it is a conservative change, it occurs at a poorly conserved position in the protein, it is predicted to be benign by multiple in silico algorithms, and/or has population frequency not consistent with disease.

NM_000059.4(BRCA2):c.5635_5640delinsAAGAAG (p.Glu1879_Asn1880delinsLysLys)

Gene: BRCA2 (BRCA2 DNA repair associated; plus strand). Cytogenetic location: 13q13.1.
Variant type: Indel.
Coding change: c.5635_5640delinsAAGAAG on transcript NM_000059.4 (MANE Select); coding-DNA positions 5635 to 5640, GAGAAT replaced by AAGAAG.
Protein change: p.Glu1879_Asn1880delinsLysLys.
Molecular consequence: missense variant.
Genome position (GRCh38, 1-based): chr13:32,339,990-32,339,995, GAGAAT replaced by AAGAAG. VCF-style: chr13-32339990-GAGAAT-AAGAAG. GRCh37 (hg19) VCF-style: chr13-32914127-GAGAAT-AAGAAG.
Other names: c.5635_5640delGAGAATinsAAGAAG (NM_000059.3).
Identifiers: ClinVar variation 421333 (VCV000421333.3), dbSNP rs1064795064, ClinGen allele CA16619730.